The following is an entry in ClinVar:

ClinVar aggregate classification (germline): Uncertain significance (1 of 4 stars; one submission).

Conditions:
Hereditary cancer-predisposing syndrome. Also called: Tumor predisposition; Neoplastic Syndromes, Hereditary; Hereditary Cancer Syndrome; Hereditary neoplastic syndrome. Identifiers: Orphanet 140162, MedGen C0027672, MeSH D009386, MONDO:0015356.

Submission:

Ambry Genetics
Classification: Uncertain significance for Hereditary cancer-predisposing syndrome. Last evaluated: 2025-03-05. Review status: criteria provided, single submitter. Criteria: Ambry Variant Classification Scheme 2023. Collection method: clinical testing. Allele origin: germline.
Comment: The p.A2779S variant (also known as c.8335G>T), located in coding exon 15 of the APC gene, results from a G to T substitution at nucleotide position 8335. The alanine at codon 2779 is replaced by serine, an amino acid with similar properties. This amino acid position is conserved. In addition, in silico predictors for this gene do not accurately predict pathogenicity. Based on the available evidence, the clinical significance of this variant remains unclear.

NM_000038.6(APC):c.8335G>T (p.Ala2779Ser)

Gene: APC (APC regulator of Wnt signaling pathway; plus strand). Cytogenetic location: 5q22.2.
Variant type: single nucleotide variant.
Coding change: c.8335G>T on transcript NM_000038.6 (MANE Select); coding-DNA position 8335, G replaced by T.
Protein change: p.Ala2779Ser; replaces alanine 2779 with serine.
Molecular consequence: missense variant. On other transcripts: non-coding transcript variant (2).
Genome position (GRCh38, 1-based): chr5:112,843,929, G>T. VCF-style: chr5-112843929-G-T. GRCh37 (hg19) VCF-style: chr5-112179626-G-T.
Other names: c.8335G>T, p.Ala2779Ser (NM_001127510.3, NM_001354895.2, NM_001407450.1); c.8281G>T, p.Ala2761Ser (NM_001127511.3); c.8389G>T, p.Ala2797Ser (NM_001354896.2, NM_001407447.1, NM_001407448.1 and 1 more transcripts); c.8365G>T, p.Ala2789Ser (NM_001354897.2); c.8260G>T, p.Ala2754Ser (NM_001354898.2); c.8251G>T, p.Ala2751Ser (NM_001354899.2); c.8212G>T, p.Ala2738Ser (NM_001354900.2); c.8158G>T, p.Ala2720Ser (NM_001354901.2, NM_001407453.1); and 11 more; short protein forms A2653S, A2678S, A2761S, A2769S, A2789S, A2807S, A2496S, A2650S.
Identifiers: ClinVar variation 3882765 (VCV003882765.1).
Genomic context (GRCh38, chr5:112,843,929, plus strand): 5'-CGTACCCCATTCAGTTCTAGCAGCTCAAGCAAACACAGTTCACCTAGTGGGACTGTTGCT[G>T]CCAGAGTGACTCCTTTTAATTACAACCCAAGCCCTAGGAAAAGCAGCGCAGATAGCACTT-3'
Protein context (NP_000029.2, residues 2769-2789): KHSSPSGTVA[Ala2779Ser]RVTPFNYNPS